The following is an entry in ClinVar:

ClinVar aggregate classification (germline): Likely benign (1 of 4 stars; one submission).

Submission:

CeGaT Center for Human Genetics Tuebingen
Classification: Likely benign. Last evaluated: 2024-11-01. Review status: criteria provided, single submitter. Criteria: CeGaT Center For Human Genetics Tuebingen Variant Classification Criteria Version 2. Collection method: clinical testing. Allele origin: germline. Affected: yes. Observed: 1 variant allele.
Comment: MYOD1: BP4

NM_002478.5(MYOD1):c.60C>G (p.Leu20=)

Gene: MYOD1 (myogenic differentiation 1; plus strand). Cytogenetic location: 11p15.1.
Variant type: single nucleotide variant.
Coding change: c.60C>G on transcript NM_002478.5 (MANE Select); coding-DNA position 60, C replaced by G.
Protein change: p.Leu20=; no amino-acid change (leucine 20 retained).
Molecular consequence: synonymous variant.
Genome position (GRCh38, 1-based): chr11:17,719,842, C>G. VCF-style: chr11-17719842-C-G. GRCh37 (hg19) VCF-style: chr11-17741389-C-G.
Identifiers: ClinVar variation 3388633 (VCV003388633.14).